The following is an entry in ClinVar:

ClinVar aggregate classification (germline): Benign. Review status: criteria provided, multiple submitters, no conflicts (2 of 4 stars). 11 submissions from 11 submitters: Benign (11). Last evaluated 2026-04-17.

Conditions:
DICER1-related tumor predisposition. Also called: DICER1-related pleuropulmonary blastoma cancer predisposition syndrome; DICER1 syndrome. Identifiers: Orphanet 284343, MedGen C3839822, MONDO:0100216.
Hereditary cancer-predisposing syndrome. Also called: Hereditary neoplastic syndrome; Neoplastic Syndromes, Hereditary; Hereditary Cancer Syndrome; Tumor predisposition. Identifiers: Orphanet 140162, MedGen C0027672, MeSH D009386, MONDO:0015356.
Pleuropulmonary blastoma (PPB). Identifiers: Orphanet 64742, MedGen C1266144, MONDO:0011014, OMIM 601200, HP:0100528.

Allele frequency attached by ClinVar (database versions not stated): gnomAD exomes 0.00128 and 0.00331; ESP Exome Variant Server 0.01407; 1000 Genomes Project 0.01677; 1000 Genomes Project 30x 0.01796; ExAC 0.00395; gnomAD 0.01325 and 0.01414; TOPMed 0.01474.
gnomAD v4.1: 3,988 of 1,614,196 alleles (0.25%); highest among the groups gnomAD compares: African/African-American, 4.6%; 76 homozygotes.

Submissions (11):

Myriad Genetics, Inc.
Classification: Benign for DICER1-related tumor predisposition. Last evaluated: 2026-04-17. Review status: criteria provided, single submitter. Criteria: Myriad Autosomal Dominant, Autosomal Recessive and X-Linked Classification Criteria (2023). Collection method: clinical testing. Allele origin: unknown.
Comment: This variant is considered benign. This variant is a silent/synonymous amino acid change and it is not expected to impact splicing.

Labcorp Genetics (formerly Invitae), Labcorp
Classification: Benign for DICER1-related tumor predisposition. Last evaluated: 2026-02-03. Review status: criteria provided, single submitter. Criteria: Invitae Variant Classification Sherloc (09022015). Collection method: clinical testing. Allele origin: germline.

Quest Diagnostics Nichols Institute San Juan Capistrano
Classification: Benign. Last evaluated: 2025-05-06. Review status: criteria provided, single submitter. Criteria: Quest Diagnostics criteria. Collection method: clinical testing. Allele origin: unknown.

Center for Genomic Medicine, Rigshospitalet, Copenhagen University Hospital
Classification: Benign. Last evaluated: 2025-03-04. Review status: criteria provided, single submitter. Criteria: ACMG Guidelines, 2015. Collection method: clinical testing. Allele origin: germline.

ARUP Laboratories, Molecular Genetics and Genomics, ARUP Laboratories
Classification: Benign. Last evaluated: 2025-02-28. Review status: criteria provided, single submitter. Criteria: ARUP Molecular Germline Variant Investigation Process 2024. Collection method: clinical testing. Allele origin: germline.

KCCC/NGS Laboratory, Kuwait Cancer Control Center
Classification: Benign for Pleuropulmonary blastoma. Last evaluated: 2023-07-07. Review status: criteria provided, single submitter. Criteria: ACMG Guidelines, 2015. Collection method: clinical testing. Allele origin: germline. Affected: yes.

Illumina Laboratory Services, Illumina
Classification: Benign for Pleuropulmonary blastoma. Last evaluated: 2018-01-12. Review status: criteria provided, single submitter. Criteria: ICSL Variant Classification Criteria 13 December 2019. Collection method: clinical testing. Allele origin: germline.
Comment: This variant was observed in the ICSL laboratory as part of a predisposition screen in an ostensibly healthy population. It had not been previously curated by ICSL or reported in the Human Gene Mutation Database (HGMD: prior to June 1st, 2018), and was therefore a candidate for classification through an automated scoring system. Utilizing variant allele frequency, disease prevalence and penetrance estimates, and inheritance mode, an automated score was calculated to assess if this variant is too frequent to cause the disease. Based on the score and internal cut-off values, a variant classified as benign is not then subjected to further curation. The score for this variant resulted in a classification of benign for this disease.

Ambry Genetics
Classification: Benign for Hereditary cancer-predisposing syndrome. Last evaluated: 2016-10-24. Review status: criteria provided, single submitter. Criteria: Ambry Variant Classification Scheme 2023. Collection method: clinical testing. Allele origin: germline.

GeneDx
Classification: Benign. Last evaluated: 2016-10-09. Review status: criteria provided, single submitter. Criteria: GeneDx Variant Classification (06012015). Collection method: clinical testing. Allele origin: germline. Affected: yes.
Comment: This variant is considered likely benign or benign based on one or more of the following criteria: it is a conservative change, it occurs at a poorly conserved position in the protein, it is predicted to be benign by multiple in silico algorithms, and/or has population frequency not consistent with disease.

PreventionGenetics, part of Exact Sciences
Classification: Benign. Last evaluated: 2016-05-02. Review status: criteria provided, single submitter. Criteria: ACMG Guidelines, 2015. Collection method: clinical testing. Allele origin: germline.

Breakthrough Genomics
Classification: Benign. Review status: criteria provided, single submitter. Criteria: ACMG Guidelines, 2015. Collection method: not provided. Allele origin: germline. Inheritance: Autosomal dominant inheritance. Affected: yes.

Literature cited by the submitters: PubMed 36547062 (cited by Quest Diagnostics Nichols Institute San Juan Capistrano); PubMed 36315513 (cited by Quest Diagnostics Nichols Institute San Juan Capistrano).

NM_177438.3(DICER1):c.3198T>C (p.Thr1066=)

Gene: DICER1 (dicer 1, ribonuclease III; minus strand). Cytogenetic location: 14q32.13.
Variant type: single nucleotide variant.
Coding change: c.3198T>C on transcript NM_177438.3 (MANE Select); coding-DNA position 3198, T replaced by C.
Protein change: p.Thr1066=; no amino-acid change (threonine 1066 retained).
Molecular consequence: synonymous variant.
Genome position (GRCh38, 1-based): chr14:95,105,142, A>G on the plus strand (T>C on the coding strand, the complement: DICER1 is on the minus strand). VCF-style: chr14-95105142-A-G. GRCh37 (hg19) VCF-style: chr14-95571479-A-G.
Other names: c.3198T>C, p.Thr1066= (NM_001195573.1, NM_001271282.3, NM_001291628.2 and 1 more transcripts).
Identifiers: ClinVar variation 242078 (VCV000242078.41), dbSNP rs114964211, ClinGen allele CA7331088.